The following is an entry in ClinVar:

NM_001111.5(ADAR):c.1538A>C (p.Gln513Pro)

Gene: ADAR (adenosine deaminase RNA specific; minus strand). Cytogenetic location: 1q21.3.
Variant type: single nucleotide variant.
Coding change: c.1538A>C on transcript NM_001111.5 (MANE Select); coding-DNA position 1538, A replaced by C.
Protein change: p.Gln513Pro; replaces glutamine 513 with proline.
Molecular consequence: missense variant.
Genome position (GRCh38, 1-based): chr1:154,601,104, T>G on the plus strand (A>C on the coding strand, the complement: ADAR is on the minus strand). VCF-style: chr1-154601104-T-G. GRCh37 (hg19) VCF-style: chr1-154573580-T-G.
Other names: c.653A>C, p.Gln218Pro (NM_001025107.3, NM_001193495.2, NM_001365046.1 and 3 more transcripts); c.1565A>C, p.Gln522Pro (NM_001365045.1); c.1538A>C, p.Gln513Pro (NM_015840.4, NM_015841.4); short protein forms Q218P, Q513P, Q522P.
Identifiers: ClinVar variation 4792334 (VCV004792334.1).
Genomic context (GRCh38, chr1:154,601,104, plus strand): 5'-GGTTCATGGGGTGGTCCACTCTGCTCTATCATGTTGAACTCACAGGTTTGACTAGCGAAC[T>G]GGGCATATTCTAACAGCCCGCTGATGGGGTTCTTCAGCTGGCACTCTGTCAGTTTCTTGT-3'
Protein context (NP_001102.3, residues 503-523): NPISGLLEYA[Gln513Pro]FASQTCEFNM

ClinVar aggregate classification (germline): Uncertain significance (1 of 4 stars; one submission).

Conditions:
Symmetrical dyschromatosis of extremities (DSH). Also called: DYSCHROMATOSIS SYMMETRICA HEREDITARIA 1; RETICULATE ACROPIGMENTATION OF DOHI; SYMMETRIC DYSCHROMATOSIS OF THE EXTREMITIES; Dyschromatosis symmetrica hereditaria. Identifiers: Orphanet 41, MedGen C0406775, MONDO:0007483, OMIM 127400.
Aicardi-Goutieres syndrome 6 (AGS6). Identifiers: Orphanet 51, MedGen C3539013, MONDO:0014007, OMIM 615010.

Submission:

Labcorp Genetics (formerly Invitae), Labcorp
Classification: Uncertain significance for Aicardi-Goutieres syndrome 6; Symmetrical dyschromatosis of extremities. Last evaluated: 2026-01-13. Review status: criteria provided, single submitter. Criteria: Invitae Variant Classification Sherloc (09022015). Collection method: clinical testing. Allele origin: germline.
Comment: This sequence change replaces glutamine, which is neutral and polar, with proline, which is neutral and non-polar, at codon 513 of the ADAR protein (p.Gln513Pro). This variant is not present in population databases (gnomAD no frequency). This variant has not been reported in the literature in individuals affected with ADAR-related conditions. Invitae Evidence Modeling of protein sequence and biophysical properties (such as structural, functional, and spatial information, amino acid conservation, physicochemical variation, residue mobility, and thermodynamic stability) indicates that this missense variant is not expected to disrupt ADAR protein function with a negative predictive value of 80%. In summary, the available evidence is currently insufficient to determine the role of this variant in disease. Therefore, it has been classified as a Variant of Uncertain Significance.